The following is an entry in ClinVar:

NM_052947.4(ALPK2):c.5688C>G (p.Ser1896Arg)

Gene: ALPK2 (alpha kinase 2; minus strand). Cytogenetic location: 18q21.31.
Variant type: single nucleotide variant.
Coding change: c.5688C>G on transcript NM_052947.4 (MANE Select); coding-DNA position 5688, C replaced by G.
Protein change: p.Ser1896Arg; replaces serine 1896 with arginine.
Molecular consequence: missense variant.
Genome position (GRCh38, 1-based): chr18:58,517,160, G>C on the plus strand (C>G on the coding strand, the complement: ALPK2 is on the minus strand). VCF-style: chr18-58517160-G-C. GRCh37 (hg19) VCF-style: chr18-56184392-G-C.
Other names: short protein forms S1896R.
Identifiers: ClinVar variation 3228808 (VCV003228808.1), dbSNP rs530701876, ClinGen allele CA402549333.

ClinVar aggregate classification (germline): Uncertain significance (1 of 4 stars; one submission).

Allele frequency attached by ClinVar (database versions not stated): TOPMed below 0.00001.
gnomAD v4.1: 2 of 1,614,030 alleles (0.00012%); highest among the groups gnomAD compares: African/African-American, 0.0013%; no homozygotes.

Submission:

Ambry Genetics
Classification: Uncertain significance. Last evaluated: 2023-12-14. Review status: criteria provided, single submitter. Criteria: Ambry Variant Classification Scheme 2023. Collection method: clinical testing. Allele origin: germline.
Comment: The p.S1896R variant (also known as c.5688C>G), located in coding exon 8 of the ALPK2 gene, results from a C to G substitution at nucleotide position 5688. The serine at codon 1896 is replaced by arginine, an amino acid with dissimilar properties. This amino acid position is conserved. In addition, this alteration is predicted to be tolerated by in silico analysis. Since supporting evidence is limited at this time, the clinical significance of this alteration remains unclear.